The following is an entry in ClinVar:

ClinVar aggregate classification (germline): Likely pathogenic. Review status: criteria provided, single submitter (1 of 4 stars). 2 submissions from 2 submitters: Likely pathogenic (1). 1 of the submissions does not count toward it. Last evaluated 2018-10-15.

Conditions:
Developmental and epileptic encephalopathy, 64. Also called: EPILEPTIC ENCEPHALOPATHY, EARLY INFANTILE, 64. Identifiers: MedGen C4693899, MONDO:0033373, OMIM 618004.

Submissions (2):

SIB Swiss Institute of Bioinformatics
Classification: Likely pathogenic for Developmental and epileptic encephalopathy, 64. Last evaluated: 2018-10-15. Review status: criteria provided, single submitter. Criteria: ACMG Guidelines, 2015. Collection method: curation. Allele origin: unknown.
Comment: This variant is interpreted as Likely Pathogenic, for Epileptic encephalopathy, early infantile, 64, autosomal dominant. The following ACMG Tag(s) were applied: PM2 => Absent from controls (or at extremely low frequency if recessive) in Exome Sequencing Project, 1000 Genomes Project, or Exome Aggregation Consortium. PP3 => Multiple lines of computational evidence support a deleterious effect on the gene or gene product. PM6 => Assumed de novo, but without confirmation of paternity and maternity (PubMed 29276004). PS3-Moderate => PS3 downgraded in strength to Moderate (PubMed 29276004).

OMIM
Classification: Pathogenic for DEVELOPMENTAL AND EPILEPTIC ENCEPHALOPATHY 64. Last evaluated: 2020-11-17. Review status: no assertion criteria provided. Collection method: literature only. Allele origin: germline. Not counted in ClinVar's aggregate classification.

Literature cited by the submitters: PubMed 29276004 (cited by SIB Swiss Institute of Bioinformatics and OMIM).

NM_015178.3(RHOBTB2):c.1355C>G (p.Ala452Gly)

Gene: RHOBTB2 (Rho related BTB domain containing 2; plus strand). Cytogenetic location: 8p21.3.
Variant type: single nucleotide variant.
Coding change: c.1355C>G on transcript NM_015178.3 (MANE Select); coding-DNA position 1355, C replaced by G.
Protein change: p.Ala452Gly; replaces alanine 452 with glycine.
Molecular consequence: missense variant.
Genome position (GRCh38, 1-based): chr8:23,007,600, C>G. VCF-style: chr8-23007600-C-G. GRCh37 (hg19) VCF-style: chr8-22865113-C-G.
Other names: c.1421C>G, p.Ala474Gly (NM_001160036.2); c.1376C>G, p.Ala459Gly (NM_001160037.2); c.1355C>G, p.Ala452Gly (NM_001374791.1); short protein forms A474G, A459G, A452G.
Identifiers: ClinVar variation 545421 (VCV000545421.3), dbSNP rs1554504656, ClinGen allele CA370568624.